The following is an entry in ClinVar:

NM_005051.3(QARS1):c.1133G>A (p.Arg378His)

Gene: QARS1 (glutaminyl-tRNA synthetase 1; minus strand). Cytogenetic location: 3p21.31.
Variant type: single nucleotide variant.
Coding change: c.1133G>A on transcript NM_005051.3 (MANE Select); coding-DNA position 1133, G replaced by A.
Protein change: p.Arg378His; replaces arginine 378 with histidine.
Molecular consequence: missense variant. On other transcripts: non-coding transcript variant (1).
Genome position (GRCh38, 1-based): chr3:49,100,221, C>T on the plus strand (G>A on the coding strand, the complement: QARS1 is on the minus strand). VCF-style: chr3-49100221-C-T. GRCh37 (hg19) VCF-style: chr3-49137654-C-T.
Other names: c.1100G>A, p.Arg367His (NM_001272073.2); short protein forms R378H, R367H.
Identifiers: ClinVar variation 1377129 (VCV001377129.9), dbSNP rs777116688, ClinGen allele CA2391878.

ClinVar aggregate classification (germline): Uncertain significance. Review status: criteria provided, multiple submitters, no conflicts (2 of 4 stars). 2 submissions from 2 submitters: Uncertain significance (2). Last evaluated 2023-10-10.

Conditions:
Diffuse cerebral and cerebellar atrophy - intractable seizures - progressive microcephaly syndrome. Also called: Microcephaly, progressive, with seizures and cerebral and cerebellar atrophy. Identifiers: Orphanet 404437, MedGen C4014239, MONDO:0014335, OMIM 615760.

Allele frequency attached by ClinVar (database versions not stated): TOPMed below 0.00001; gnomAD 0.00001; gnomAD exomes 0.00001; ExAC 0.00002.
gnomAD v4.1: 21 of 1,614,124 alleles (0.0013%); highest among the groups gnomAD compares: South Asian, 0.0077%; no homozygotes.

Submissions (2):

Blueprint Genetics
Classification: Uncertain significance. Last evaluated: 2023-10-10. Review status: criteria provided, single submitter. Criteria: ACMG Guidelines, 2015. Collection method: clinical testing. Allele origin: germline.

Labcorp Genetics (formerly Invitae), Labcorp
Classification: Uncertain significance for Diffuse cerebral and cerebellar atrophy - intractable seizures - progressive microcephaly syndrome. Last evaluated: 2022-06-27. Review status: criteria provided, single submitter. Criteria: Invitae Variant Classification Sherloc (09022015). Collection method: clinical testing. Allele origin: germline.
Comment: In summary, the available evidence is currently insufficient to determine the role of this variant in disease. Therefore, it has been classified as a Variant of Uncertain Significance. Algorithms developed to predict the effect of missense changes on protein structure and function are either unavailable or do not agree on the potential impact of this missense change (SIFT: "Deleterious"; PolyPhen-2: "Probably Damaging"; Align-GVGD: "Class C0"). This variant has not been reported in the literature in individuals affected with QARS-related conditions. This variant is present in population databases (rs777116688, gnomAD 0.003%). This sequence change replaces arginine, which is basic and polar, with histidine, which is basic and polar, at codon 378 of the QARS protein (p.Arg378His).